The following is an entry in ClinVar:

NM_017739.4(POMGNT1):c.127G>A (p.Ala43Thr)

Gene: POMGNT1 (protein O-linked mannose N-acetylglucosaminyltransferase 1 (beta 1,2-); minus strand). Cytogenetic location: 1p34.1.
Variant type: single nucleotide variant.
Coding change: c.127G>A on transcript NM_017739.4 (MANE Select); coding-DNA position 127, G replaced by A.
Protein change: p.Ala43Thr; replaces alanine 43 with threonine.
Molecular consequence: missense variant. On other transcripts: 5 prime UTR variant (1).
Genome position (GRCh38, 1-based): chr1:46,197,078, C>T on the plus strand (G>A on the coding strand, the complement: POMGNT1 is on the minus strand). VCF-style: chr1-46197078-C-T. GRCh37 (hg19) VCF-style: chr1-46662750-C-T.
Other names: c.127G>A, p.Ala43Thr (NM_001243766.2, NM_001410783.1); c.61G>A, p.Ala21Thr (NM_001290129.3); c.-303G>A (NM_001290130.2); short protein forms A21T, A43T.
Identifiers: ClinVar variation 2179013 (VCV002179013.4), dbSNP rs1355798817, ClinGen allele CA340192384.
Genomic context (GRCh38, chr1:46,197,078, plus strand): 5'-GCCGAGTGTCCAGGATCAACTTGATATTGACAATGACAGTCACCAGCAGGAAAAGCACGG[C>T]CCCTGTCTGAGGGGAGGGGTAGGGATGATTAAGAGGAGCACCTCCTTCAGATCCTAGAGG-3'
Protein context (NP_060209.4, residues 33-53): RALRRFCQTG[Ala43Thr]VLFLLVTVIV

ClinVar aggregate classification (germline): Uncertain significance (1 of 4 stars; one submission).

Conditions:
Autosomal recessive limb-girdle muscular dystrophy type 2O. Also called: Limb-Girdle Muscular Dystrophy Type 3C; MUSCULAR DYSTROPHY-DYSTROGLYCANOPATHY (LIMB-GIRDLE), TYPE C, 3; MUSCULAR DYSTROPHY-DYSTROGLYCANOPATHY, LIMB-GIRDLE, POMGNT1-RELATED. Identifiers: Orphanet 206564, MedGen C3150417, MONDO:0013161, OMIM 613157.
Muscular dystrophy-dystroglycanopathy (congenital with impaired intellectual development), type B, 3. Also called: Muscular dystrophy-dystroglycanopathy (congenital with intellectual disability), type B3; MUSCULAR DYSTROPHY, CONGENITAL, POMGNT1-RELATED. Identifiers: MedGen C3150412, MONDO:0013155, OMIM 613151.

Submission:

Labcorp Genetics (formerly Invitae), Labcorp
Classification: Uncertain significance for Autosomal recessive limb-girdle muscular dystrophy type 2O; Muscular dystrophy-dystroglycanopathy (congenital with impaired intellectual development), type B, 3. Last evaluated: 2022-03-31. Review status: criteria provided, single submitter. Criteria: Invitae Variant Classification Sherloc (09022015). Collection method: clinical testing. Allele origin: germline.
Comment: Advanced modeling of protein sequence and biophysical properties (such as structural, functional, and spatial information, amino acid conservation, physicochemical variation, residue mobility, and thermodynamic stability) performed at Invitae indicates that this missense variant is not expected to disrupt POMGNT1 protein function. This variant has not been reported in the literature in individuals affected with POMGNT1-related conditions. This variant is not present in population databases (gnomAD no frequency). This sequence change replaces alanine, which is neutral and non-polar, with threonine, which is neutral and polar, at codon 43 of the POMGNT1 protein (p.Ala43Thr). In summary, the available evidence is currently insufficient to determine the role of this variant in disease. Therefore, it has been classified as a Variant of Uncertain Significance.